The following is an entry in ClinVar:

NM_003742.4(ABCB11):c.3350G>A (p.Cys1117Tyr)

Gene: ABCB11 (ATP binding cassette subfamily B member 11; minus strand). Cytogenetic location: 2q31.1.
Variant type: single nucleotide variant.
Coding change: c.3350G>A on transcript NM_003742.4 (MANE Select); coding-DNA position 3350, G replaced by A.
Protein change: p.Cys1117Tyr; replaces cysteine 1117 with tyrosine.
Molecular consequence: missense variant.
Genome position (GRCh38, 1-based): chr2:168,930,726, C>T on the plus strand (G>A on the coding strand, the complement: ABCB11 is on the minus strand). VCF-style: chr2-168930726-C-T. GRCh37 (hg19) VCF-style: chr2-169787236-C-T.
Other names: c.3350G>A, p.Cys1117Tyr (LRG_1199t1); short protein forms C1117Y.
Identifiers: ClinVar variation 286567 (VCV000286567.13), dbSNP rs754048936, ClinGen allele CA1951046.

ClinVar aggregate classification (germline): Uncertain significance. Review status: criteria provided, multiple submitters, no conflicts (2 of 4 stars). 4 submissions from 4 submitters: Uncertain significance (3). 1 of the submissions does not count toward it. Last evaluated 2025-09-28.

Conditions:
Inborn genetic diseases. Identifiers: MedGen C0950123, MeSH D030342.
ABCB11-related disorder. Also called: ABCB11-related condition.
Progressive familial intrahepatic cholestasis type 2. Identifiers: Orphanet 79304, MedGen C3489789, MONDO:0011156, OMIM 601847.

Allele frequency attached by ClinVar (database versions not stated): TOPMed below 0.00001; ExAC 0.00001; gnomAD exomes 0.00001.
gnomAD v4.1: 11 of 1,604,190 alleles (0.00069%); highest among the groups gnomAD compares: Non-Finnish European, 0.00077%; no homozygotes.

Submissions (4):

Ambry Genetics
Classification: Uncertain significance for Inborn genetic diseases. Last evaluated: 2025-09-28. Review status: criteria provided, single submitter. Criteria: Ambry Variant Classification Scheme 2023. Collection method: clinical testing. Allele origin: germline.

Illumina Laboratory Services, Illumina
Classification: Uncertain significance for Progressive familial intrahepatic cholestasis type 2. Last evaluated: 2018-01-13. Review status: criteria provided, single submitter. Criteria: ICSL Variant Classification Criteria 13 December 2019. Collection method: clinical testing. Allele origin: germline.

Eurofins Ntd Llc (ga)
Classification: Uncertain significance. Last evaluated: 2016-02-29. Review status: criteria provided, single submitter. Criteria: EGL Classification Definitions 2015. Collection method: clinical testing. Allele origin: germline. Observed: 1 variant allele, 1 heterozygote.

PreventionGenetics, part of Exact Sciences
Classification: Uncertain significance for ABCB11-related condition. Last evaluated: 2024-03-07. Review status: no assertion criteria provided. Collection method: clinical testing. Allele origin: germline. Not counted in ClinVar's aggregate classification.
Comment: The ABCB11 c.3350G>A variant is predicted to result in the amino acid substitution p.Cys1117Tyr. To our knowledge, this variant has not been reported in the literature or in a large population database, indicating this variant is rare. At this time, the clinical significance of this variant is uncertain due to the absence of conclusive functional and genetic evidence.